The following is an entry in ClinVar:

NM_014989.7(RIMS1):c.2477G>A (p.Arg826Gln)

Gene: RIMS1 (regulating synaptic membrane exocytosis 1; plus strand). Cytogenetic location: 6q13.
Variant type: single nucleotide variant.
Coding change: c.2477G>A on transcript NM_014989.7 (MANE Select); coding-DNA position 2477, G replaced by A.
Protein change: p.Arg826Gln; replaces arginine 826 with glutamine.
Molecular consequence: missense variant.
Genome position (GRCh38, 1-based): chr6:72,251,025, G>A. VCF-style: chr6-72251025-G-A. GRCh37 (hg19) VCF-style: chr6-72960728-G-A.
Other names: c.2477G>A (NM_014989.4); c.899G>A, p.Arg300Gln (NM_001168407.2, NM_001168408.2, NM_001350414.2 and 37 more transcripts); c.656G>A, p.Arg219Gln (NM_001168409.2, NM_001350461.2, NM_001350463.2 and 6 more transcripts); c.854G>A, p.Arg285Gln (NM_001168410.2, NM_001350470.2, NM_001350472.2 and 2 more transcripts); c.830G>A, p.Arg277Gln (NM_001350421.2, NM_001350424.2, NM_001350428.2 and 6 more transcripts); short protein forms R826Q, R219Q, R300Q, R277Q, R285Q.
Identifiers: ClinVar variation 1924291 (VCV001924291.6), dbSNP rs1259453400, ClinGen allele CA364679682.

ClinVar aggregate classification (germline): Uncertain significance. Review status: criteria provided, multiple submitters, no conflicts (2 of 4 stars). 2 submissions from 2 submitters: Uncertain significance (2). Last evaluated 2025-06-18.

Allele frequency attached by ClinVar (database versions not stated): gnomAD 0.00001; TOPMed 0.00002.
gnomAD v4.1: 20 of 1,578,090 alleles (0.0013%); highest among the groups gnomAD compares: Non-Finnish European, 0.0017%; no homozygotes.

Submissions (2):

Ambry Genetics
Classification: Uncertain significance. Last evaluated: 2025-06-18. Review status: criteria provided, single submitter. Criteria: Ambry Variant Classification Scheme 2023. Collection method: clinical testing. Allele origin: germline.

Labcorp Genetics (formerly Invitae), Labcorp
Classification: Uncertain significance. Last evaluated: 2022-02-11. Review status: criteria provided, single submitter. Criteria: Invitae Variant Classification Sherloc (09022015). Collection method: clinical testing. Allele origin: germline.
Comment: Algorithms developed to predict the effect of missense changes on protein structure and function are either unavailable or do not agree on the potential impact of this missense change (SIFT: "Tolerated"; PolyPhen-2: "Probably Damaging"; Align-GVGD: "Class C0"). This variant has not been reported in the literature in individuals affected with RIMS1-related conditions. The frequency data for this variant in the population databases is considered unreliable, as metrics indicate poor data quality at this position in the gnomAD database. This sequence change replaces arginine, which is basic and polar, with glutamine, which is neutral and polar, at codon 826 of the RIMS1 protein (p.Arg826Gln). In summary, the available evidence is currently insufficient to determine the role of this variant in disease. Therefore, it has been classified as a Variant of Uncertain Significance.